The following is an entry in ClinVar:

ClinVar aggregate classification (germline): Pathogenic (1 of 4 stars; one submission).

Conditions:
Pancreatic cancer, susceptibility to, 4. Identifiers: Orphanet 1333, MedGen C3280442, MONDO:0013685, OMIM 614320.
Breast-ovarian cancer, familial, susceptibility to, 1 (BROVCA1). Also called: BRCA1 Hereditary Breast and Ovarian Cancer; OVARIAN CANCER, SUSCEPTIBILITY TO. Identifiers: Orphanet 145, MedGen C2676676, MONDO:0011450, OMIM 604370. Disease mechanism: loss of function.
Fanconi anemia, complementation group S (FANCS). Identifiers: MedGen C4554406, MONDO:0054748, OMIM 617883.

Submission:

Juno Genomics, Hangzhou Juno Genomics, Inc
Classification: Pathogenic for Breast-ovarian cancer, familial, susceptibility to, 1; Pancreatic cancer, susceptibility to, 4; Fanconi anemia, complementation group S. Review status: criteria provided, single submitter. Criteria: ACMG Guidelines, 2015. Collection method: clinical testing. Allele origin: germline.
Comment: Absent from controls (or at extremely low frequency if recessive) in Genome Aggregation Database.;Null variant in a gene where loss of function (LOF) is a known mechanism of disease.;Novel missense change at an amino acid residue where a different missense change determined to be pathogenic has been seen before.

NM_007294.4(BRCA1):c.387del (p.Tyr130fs)

Gene: BRCA1 (BRCA1 DNA repair associated; minus strand). Cytogenetic location: 17q21.31.
Variant type: Deletion.
Coding change: c.387del on transcript NM_007294.4 (MANE Select); coding-DNA position 387, one base deleted (C; older notation c.387delC).
Protein change: p.Tyr130fs; shifts the reading frame from tyrosine 130.
Molecular consequence: frameshift variant. On other transcripts: non-coding transcript variant (1).
Genome position (GRCh38, 1-based): chr17:43,104,176, G deleted on the plus strand (C on the coding strand, the reverse complement: BRCA1 is on the minus strand). VCF-style (leftmost placement, unchanged base first): chr17-43104175-AG-A. GRCh37 (hg19) VCF-style: chr17-41256192-AG-A.
Other names: c.177delC, p.Tyr60Thrfs (NM_001407571.1, NM_001407853.1, NM_001407879.1 and 58 more transcripts); c.387delC, p.Tyr130Thrfs (NM_001407581.1, NM_001407582.1, NM_001407583.1 and 163 more transcripts); c.378delC, p.Tyr127Thrfs (NM_001407646.1, NM_001407647.1, NM_001408408.1); c.309delC, p.Tyr104Thrfs (NM_001407653.1, NM_001407654.1, NM_001407655.1 and 21 more transcripts); c.246delC, p.Tyr83Thrfs (NM_001407692.1, NM_001407694.1, NM_001407695.1 and 98 more transcripts); c.6delC, p.Tyr3Thrfs (NM_001407959.1, NM_001407960.1, NM_001407962.1 and 4 more transcripts); c.255delC, p.Tyr86Thrfs (NM_001408451.1); c.246del, p.Tyr83fs (NM_007297.4); and 1 more; short protein forms Y130fs, Y83fs.
Identifiers: ClinVar variation 5005761 (VCV005005761.2).
Genomic context (GRCh38, chr17:43,104,175, plus strand): 5'-GTTTTACCAAGGAAGGATTTTCGGGTTCACTCTGTAGAAGTCTTTTGGCACGGTTTCTGT[AG>A]CCCATACTTTGGATGATAGAAACTTCATCTTTTAGATGTTCAGGAGAGTTATTTTCCTTT-3'